The following is an entry in ClinVar:

NM_001111.5(ADAR):c.3040G>T (p.Glu1014Ter)

Gene: ADAR (adenosine deaminase RNA specific; minus strand). Cytogenetic location: 1q21.3.
Variant type: single nucleotide variant.
Coding change: c.3040G>T on transcript NM_001111.5 (MANE Select); coding-DNA position 3040, G replaced by T.
Protein change: p.Glu1014Ter; replaces glutamic acid 1014 with a stop codon.
Molecular consequence: nonsense.
Genome position (GRCh38, 1-based): chr1:154,586,343, C>A on the plus strand (G>T on the coding strand, the complement: ADAR is on the minus strand). VCF-style: chr1-154586343-C-A. GRCh37 (hg19) VCF-style: chr1-154558819-C-A.
Other names: c.2155G>T, p.Glu719Ter (NM_001025107.3, NM_001193495.2, NM_001365046.1 and 2 more transcripts); c.3067G>T, p.Glu1023Ter (NM_001365045.1); c.2077G>T, p.Glu693Ter (NM_001365049.1); c.2962G>T, p.Glu988Ter (NM_015840.4); c.2905G>T, p.Glu969Ter (NM_015841.4); short protein forms E1023*, E969*, E719*, E1014*, E693*, E988*.
Identifiers: ClinVar variation 2202845 (VCV002202845.4), dbSNP rs965662260, ClinGen allele CA342635862.

ClinVar aggregate classification (germline): Pathogenic (1 of 4 stars; one submission).

Conditions:
Symmetrical dyschromatosis of extremities (DSH). Also called: RETICULATE ACROPIGMENTATION OF DOHI; SYMMETRIC DYSCHROMATOSIS OF THE EXTREMITIES; Dyschromatosis symmetrica hereditaria; DYSCHROMATOSIS SYMMETRICA HEREDITARIA 1. Identifiers: Orphanet 41, MedGen C0406775, MONDO:0007483, OMIM 127400.
Aicardi-Goutieres syndrome 6 (AGS6). Identifiers: Orphanet 51, MedGen C3539013, MONDO:0014007, OMIM 615010.

Submission:

Labcorp Genetics (formerly Invitae), Labcorp
Classification: Pathogenic for Aicardi-Goutieres syndrome 6; Symmetrical dyschromatosis of extremities. Last evaluated: 2024-02-05. Review status: criteria provided, single submitter. Criteria: Invitae Variant Classification Sherloc (09022015). Collection method: clinical testing. Allele origin: germline.
Comment: This sequence change creates a premature translational stop signal (p.Glu1014*) in the ADAR gene. It is expected to result in an absent or disrupted protein product. Loss-of-function variants in ADAR are known to be pathogenic (PMID: 22974014). This variant is not present in population databases (gnomAD no frequency). This premature translational stop signal has been observed in individual(s) with dyschromatosis symmetrica hereditaria (PMID: 17225010). ClinVar contains an entry for this variant (Variation ID: 2202845). Algorithms developed to predict the effect of sequence changes on RNA splicing suggest that this variant may disrupt the consensus splice site. For these reasons, this variant has been classified as Pathogenic.

Literature cited by the submitters: PubMed 22974014; PubMed 17225010.